The following is an entry in ClinVar:

NM_198252.3(GSN):c.409A>G (p.Arg137Gly)

Gene: GSN (gelsolin; plus strand). Cytogenetic location: 9q33.2.
Variant type: single nucleotide variant.
Coding change: c.409A>G on transcript NM_198252.3 (MANE Select); coding-DNA position 409, A replaced by G.
Protein change: p.Arg137Gly; replaces arginine 137 with glycine.
Molecular consequence: missense variant. On other transcripts: 5 prime UTR variant (1).
Genome position (GRCh38, 1-based): chr9:121,310,741, A>G. VCF-style: chr9-121310741-A-G. GRCh37 (hg19) VCF-style: chr9-124073019-A-G.
Other names: c.562A>G, p.Arg188Gly (NM_000177.5); c.517A>G, p.Arg173Gly (NM_001127663.2); c.409A>G, p.Arg137Gly (NM_001127664.2, NM_001127662.2, NM_001127665.2 and 10 more transcripts); c.442A>G, p.Arg148Gly (NM_001127666.2, NM_001127667.2, NM_001353067.2 and 13 more transcripts); c.460A>G, p.Arg154Gly (NM_001258029.2); c.433A>G, p.Arg145Gly (NM_001258030.2); c.481A>G, p.Arg161Gly (NM_001353076.2); c.-246A>G (NM_001353078.2); short protein forms R148G, R173G, R188G, R161G, R137G, R145G, R154G.
Identifiers: ClinVar variation 3664046 (VCV003664046.2).

ClinVar aggregate classification (germline): Uncertain significance (1 of 4 stars; one submission).

Submission:

Labcorp Genetics (formerly Invitae), Labcorp
Classification: Uncertain significance. Last evaluated: 2024-08-31. Review status: criteria provided, single submitter. Criteria: Invitae Variant Classification Sherloc (09022015). Collection method: clinical testing. Allele origin: germline.
Comment: This sequence change replaces arginine, which is basic and polar, with glycine, which is neutral and non-polar, at codon 188 of the GSN protein (p.Arg188Gly). This variant is not present in population databases (gnomAD no frequency). This variant has not been reported in the literature in individuals affected with GSN-related conditions. Invitae Evidence Modeling of protein sequence and biophysical properties (such as structural, functional, and spatial information, amino acid conservation, physicochemical variation, residue mobility, and thermodynamic stability) indicates that this missense variant is expected to disrupt GSN protein function with a positive predictive value of 80%. In summary, the available evidence is currently insufficient to determine the role of this variant in disease. Therefore, it has been classified as a Variant of Uncertain Significance.